The following is an entry in ClinVar:

ClinVar aggregate classification (germline): Uncertain significance (1 of 4 stars; one submission).

Conditions:
Leber congenital amaurosis 12 (LCA12). Identifiers: Orphanet 65, MedGen C1857743, MONDO:0012525, OMIM 610612.

Allele frequency attached by ClinVar (database versions not stated): gnomAD exomes 0.00001; gnomAD 0.00003.
gnomAD v4.1: 63 of 1,614,148 alleles (0.0039%); highest among the groups gnomAD compares: Non-Finnish European, 0.0051%; no homozygotes.

Submission:

Labcorp Genetics (formerly Invitae), Labcorp
Classification: Uncertain significance for Leber congenital amaurosis 12. Last evaluated: 2021-07-02. Review status: criteria provided, single submitter. Criteria: Invitae Variant Classification Sherloc (09022015). Collection method: clinical testing. Allele origin: germline.
Comment: This variant has not been reported in the literature in individuals affected with RD3-related conditions. In summary, the available evidence is currently insufficient to determine the role of this variant in disease. Therefore, it has been classified as a Variant of Uncertain Significance. Algorithms developed to predict the effect of missense changes on protein structure and function are either unavailable or do not agree on the potential impact of this missense change (SIFT: "Deleterious"; PolyPhen-2: "Benign"; Align-GVGD: "Class C0"). This variant is not present in population databases (ExAC no frequency). This sequence change replaces valine with phenylalanine at codon 54 of the RD3 protein (p.Val54Phe). The valine residue is weakly conserved and there is a small physicochemical difference between valine and phenylalanine.

NM_001164688.2(RD3):c.160G>T (p.Val54Phe)

Gene: RD3 (RD3 regulator of GUCY2D; minus strand). Cytogenetic location: 1q32.3.
Variant type: single nucleotide variant.
Coding change: c.160G>T on transcript NM_001164688.2 (MANE Select); coding-DNA position 160, G replaced by T.
Protein change: p.Val54Phe; replaces valine 54 with phenylalanine.
Molecular consequence: missense variant.
Genome position (GRCh38, 1-based): chr1:211,481,256, C>A on the plus strand (G>T on the coding strand, the complement: RD3 is on the minus strand). VCF-style: chr1-211481256-C-A. GRCh37 (hg19) VCF-style: chr1-211654598-C-A.
Other names: c.160G>T, p.Val54Phe (NM_183059.3); short protein forms V54F.
Identifiers: ClinVar variation 1492382 (VCV001492382.8), dbSNP rs752946135, ClinGen allele CA37186510.